The following is an entry in ClinVar:

NM_014956.5(CEP164):c.1678GAG[1] (p.Glu561del)

Gene: CEP164 (centrosomal protein 164; plus strand). Cytogenetic location: 11q23.3.
Variant type: Microsatellite.
Coding change: c.1678GAG[1] on transcript NM_014956.5 (MANE Select); one copy of the 3-base unit GAG starting at c.1678; the reference has two copies in a row; one copy, 3 bases deleted.
Protein change: p.Glu561del; deletes glutamic acid 561.
Molecular consequence: inframe deletion.
Genome position (GRCh38, 1-based): chr11:117,382,899-117,382,901, GAG deleted; deleting any 3 consecutive bases within chr11:117,382,896-117,382,901 gives the same sequence; the position shown is the placement nearest the transcript's 3' end. VCF-style (leftmost placement, unchanged base first): chr11-117382895-TGAG-T. GRCh37 (hg19) VCF-style: chr11-117253611-TGAG-T.
Other names: c.1687GAG[1], p.Glu564del (NM_001271933.2); short protein forms E561del, E564del.
Identifiers: ClinVar variation 1382839 (VCV001382839.7), dbSNP rs771007283, ClinGen allele CA6294822.

ClinVar aggregate classification (germline): Uncertain significance (1 of 4 stars; one submission).

Conditions:
Nephronophthisis 15 (NPHP15). Identifiers: Orphanet 3156, MedGen C3541853, MONDO:0013917, OMIM 614845.

Submission:

Labcorp Genetics (formerly Invitae), Labcorp
Classification: Uncertain significance for Nephronophthisis 15. Last evaluated: 2022-07-18. Review status: criteria provided, single submitter. Criteria: Invitae Variant Classification Sherloc (09022015). Collection method: clinical testing. Allele origin: germline.
Comment: This variant, c.1681_1683del, results in the deletion of 1 amino acid(s) of the CEP164 protein (p.Glu561del), but otherwise preserves the integrity of the reading frame. This variant is present in population databases (rs771007283, gnomAD 0.002%). In summary, the available evidence is currently insufficient to determine the role of this variant in disease. Therefore, it has been classified as a Variant of Uncertain Significance. Experimental studies and prediction algorithms are not available or were not evaluated, and the functional significance of this variant is currently unknown. This variant has not been reported in the literature in individuals affected with CEP164-related conditions.